The following is an entry in ClinVar:

NM_000321.3(RB1):c.363dup (p.Lys122fs)

Gene: RB1 (RB transcriptional corepressor 1; plus strand). Cytogenetic location: 13q14.2.
Variant type: Duplication.
Coding change: c.363dup on transcript NM_000321.3 (MANE Select); coding-DNA position 363, one base duplicated (G; older notation c.363dupG).
Protein change: p.Lys122fs; shifts the reading frame from lysine 122.
Molecular consequence: frameshift variant.
Genome position (GRCh38, 1-based): chr13:48,342,697, G duplicated. VCF-style (leftmost placement, unchanged base first): chr13-48342696-A-AG. GRCh37 (hg19) VCF-style: chr13-48916832-A-AG.
Other names: c.363dup, p.Lys122fs (NM_001407165.1, NM_001407166.1); short protein forms K122fs.
Identifiers: ClinVar variation 4759383 (VCV004759383.1).

ClinVar aggregate classification (germline): Likely pathogenic (1 of 4 stars; one submission).

Conditions:
Hereditary retinoblastoma. Identifiers: Orphanet 357027, MedGen C0751483, MONDO:0018160.

Submission:

Ramesar Group, Division of Human Genetics, Institute of Infectious Diseases and Molecular Medicine, UCT/MRC Genomic and Precision Medicine Research Unit, University of Cape Town
Classification: Likely pathogenic for Hereditary retinoblastoma. Last evaluated: 2025-09-17. Review status: criteria provided, single submitter. Criteria: ACMG Guidelines, 2015. Collection method: research. Allele origin: germline. Affected: yes. Observed: 1 variant allele.